The following is an entry in ClinVar:

ClinVar aggregate classification (germline): Uncertain significance. Review status: criteria provided, multiple submitters, no conflicts (2 of 4 stars). 2 submissions from 2 submitters: Uncertain significance (2). Last evaluated 2025-01-12.

Conditions:
Nephrolithiasis/nephrocalcinosis. Identifiers: MedGen CN580796.
Familial hypocalciuric hypercalcemia (FHH). Also called: Familial benign hypercalcemia. Identifiers: Orphanet 405, MedGen C1809471, MONDO:0018458.
Autosomal dominant hypocalcemia 1 (HYPOC1). Also called: HYPOCALCEMIA, FAMILIAL. Identifiers: MedGen C3715128, MONDO:0011013, OMIM 601198.

Allele frequency attached by ClinVar (database versions not stated): TOPMed 0.00001.
gnomAD v4.1: 15 of 1,614,176 alleles (0.00093%); highest among the groups gnomAD compares: Non-Finnish European, 0.0013%; no homozygotes.

Submissions (2):

Labcorp Genetics (formerly Invitae), Labcorp
Classification: Uncertain significance for Familial hypocalciuric hypercalcemia; Autosomal dominant hypocalcemia 1. Last evaluated: 2025-01-12. Review status: criteria provided, single submitter. Criteria: Invitae Variant Classification Sherloc (09022015). Collection method: clinical testing. Allele origin: germline.
Comment: This sequence change replaces proline, which is neutral and non-polar, with threonine, which is neutral and polar, at codon 188 of the CASR protein (p.Pro188Thr). This variant is not present in population databases (gnomAD no frequency). This variant has not been reported in the literature in individuals affected with CASR-related conditions. ClinVar contains an entry for this variant (Variation ID: 665287). An algorithm developed to predict the effect of missense changes on protein structure and function (PolyPhen-2) suggests that this variant is likely to be disruptive. In summary, the available evidence is currently insufficient to determine the role of this variant in disease. Therefore, it has been classified as a Variant of Uncertain Significance.

Ambry Genetics
Classification: Uncertain significance for Nephrolithiasis/nephrocalcinosis. Last evaluated: 2024-07-18. Review status: criteria provided, single submitter. Criteria: Ambry Variant Classification Scheme 2023. Collection method: clinical testing. Allele origin: germline.
Comment: The p.P188T variant (also known as c.562C>A), located in coding exon 3 of the CASR gene, results from a C to A substitution at nucleotide position 562. The proline at codon 188 is replaced by threonine, an amino acid with highly similar properties. This amino acid position is highly conserved in available vertebrate species. In addition, this alteration is predicted to be deleterious by in silico analysis. Based on the available evidence, the clinical significance of this variant remains unclear.

NM_000388.4(CASR):c.562C>A (p.Pro188Thr)

Gene: CASR (calcium sensing receptor; plus strand). Cytogenetic location: 3q21.1.
Variant type: single nucleotide variant.
Coding change: c.562C>A on transcript NM_000388.4 (MANE Select); coding-DNA position 562, C replaced by A.
Protein change: p.Pro188Thr; replaces proline 188 with threonine.
Molecular consequence: missense variant.
Genome position (GRCh38, 1-based): chr3:122,261,597, C>A. VCF-style: chr3-122261597-C-A. GRCh37 (hg19) VCF-style: chr3-121980444-C-A.
Other names: c.562C>A, p.Pro188Thr (NM_001178065.2); short protein forms P188T.
Identifiers: ClinVar variation 665287 (VCV000665287.14), dbSNP rs778535491, ClinGen allele CA354150850.